The following is an entry in ClinVar:

NM_000548.5(TSC2):c.916del (p.Ala306fs)

Gene: TSC2 (TSC complex subunit 2; plus strand). Cytogenetic location: 16p13.3.
Variant type: Deletion.
Coding change: c.916del on transcript NM_000548.5 (MANE Select); coding-DNA position 916, one base deleted (G; older notation c.916delG).
Protein change: p.Ala306fs; shifts the reading frame from alanine 306.
Molecular consequence: frameshift variant. On other transcripts: 5 prime UTR variant (10), non-coding transcript variant (5).
Genome position (GRCh38, 1-based): chr16:2,058,814, G deleted. VCF-style (leftmost placement, unchanged base first): chr16-2058813-AG-A. GRCh37 (hg19) VCF-style: chr16-2108814-AG-A.
Other names: c.916del, p.Ala306fs (NM_001077183.3, NM_001114382.3, NM_001363528.2 and 6 more transcripts); c.805del, p.Ala269fs (NM_001318827.2, NM_001406670.1, NM_001406678.1); c.769del, p.Ala257fs (NM_001318829.2, NM_001406675.1, NM_001406676.1 and 1 more transcripts); c.316del, p.Ala106fs (NM_001318831.2, NM_001406680.1, NM_001406682.1 and 6 more transcripts); c.949del, p.Ala317fs (NM_001318832.2); c.1006del, p.Ala336fs (NM_001406667.1, NM_001406668.1); c.904del, p.Ala302fs (NM_001406671.1, NM_001406673.1); c.859del, p.Ala287fs (NM_001406677.1); and 4 more; short protein forms A257fs, A269fs, A287fs, A336fs, A106fs, A152fs, A302fs, A306fs.
Identifiers: ClinVar variation 2747097 (VCV002747097.3), dbSNP rs2548495653, ClinGen allele CA2697549557.

ClinVar aggregate classification (germline): Pathogenic (1 of 4 stars; one submission).

Conditions:
Tuberous sclerosis 2 (TSC2). Identifiers: Orphanet 805, MedGen C1860707, MONDO:0013199, OMIM 613254.

Submission:

Labcorp Genetics (formerly Invitae), Labcorp
Classification: Pathogenic for Tuberous sclerosis 2. Last evaluated: 2023-07-26. Review status: criteria provided, single submitter. Criteria: Invitae Variant Classification Sherloc (09022015). Collection method: clinical testing. Allele origin: germline.
Comment: This variant has not been reported in the literature in individuals affected with TSC2-related conditions. For these reasons, this variant has been classified as Pathogenic. This variant is not present in population databases (gnomAD no frequency). This sequence change creates a premature translational stop signal (p.Ala306Profs*57) in the TSC2 gene. It is expected to result in an absent or disrupted protein product. Loss-of-function variants in TSC2 are known to be pathogenic (PMID: 10205261, 17304050).

Literature cited by the submitters: PubMed 10205261; PubMed 17304050.